The following is an entry in ClinVar:

ClinVar aggregate classification (germline): Pathogenic. Review status: criteria provided, multiple submitters, no conflicts (2 of 4 stars). 3 submissions from 3 submitters: Pathogenic (3). Last evaluated 2025-11-24.

Conditions:
TULP1-related disorder. Also called: TULP1-related disorders; TULP1-related condition.
Leber congenital amaurosis (LCA). Also called: Leber's amaurosis. Identifiers: Orphanet 65, MedGen C0339527, MeSH D057130, MONDO:0018998.

gnomAD v4.1: 28 of 1,599,194 alleles (0.0018%); highest among the groups gnomAD compares: East Asian, 0.0023%; no homozygotes.

Submissions (3):

Women's Health and Genetics/Laboratory Corporation of America, LabCorp
Classification: Pathogenic for Leber congenital amaurosis. Last evaluated: 2025-11-24. Review status: criteria provided, single submitter. Criteria: LabCorp Variant Classification Summary - May 2015. Collection method: clinical testing. Allele origin: germline.
Comment: Variant summary: TULP1 c.1258C>A (p.Arg420Ser) results in a non-conservative amino acid change in the encoded protein sequence. Algorithms developed to predict the effect of missense changes on protein structure and function all suggest that this variant is likely to be disruptive. The variant allele was found at a frequency of 9e-06 in 222530 control chromosomes. c.1258C>A has been observed in the homozygous or presumed/confirmed compound heterozygous state in multiple individuals affected with clinical features of Leber congenital amaurosis, cone dystrophy, or retinitis pigmentosa (example, Weisschuh_2020, Glockle_2014, Panneman_2023, Roosing_2013, Zobor_2023). These data indicate that the variant is very likely to be associated with disease. To our knowledge, no experimental evidence demonstrating an impact on protein function has been reported. The following publications have been ascertained in the context of this evaluation (PMID: 32531858, 23591405, 36819107, 23499059, 37240262). ClinVar contains an entry for this variant (Variation ID: 1366826). Based on the evidence outlined above, the variant was classified as pathogenic.

Labcorp Genetics (formerly Invitae), Labcorp
Classification: Pathogenic. Last evaluated: 2024-04-22. Review status: criteria provided, single submitter. Criteria: Invitae Variant Classification Sherloc (09022015). Collection method: clinical testing. Allele origin: germline.
Comment: This sequence change replaces arginine, which is basic and polar, with serine, which is neutral and polar, at codon 420 of the TULP1 protein (p.Arg420Ser). The frequency data for this variant in the population databases is considered unreliable, as metrics indicate poor data quality at this position in the gnomAD database. This missense change has been observed in individual(s) with autosomal recessive retinitis pigmentosa (PMID: 23499059, 23591405, 32531858). In at least one individual the data is consistent with being in trans (on the opposite chromosome) from a pathogenic variant. ClinVar contains an entry for this variant (Variation ID: 1366826). Advanced modeling of protein sequence and biophysical properties (such as structural, functional, and spatial information, amino acid conservation, physicochemical variation, residue mobility, and thermodynamic stability) performed at Invitae indicates that this missense variant is expected to disrupt TULP1 protein function with a positive predictive value of 80%. This variant disrupts the p.Arg420 amino acid residue in TULP1. Other variant(s) that disrupt this residue have been observed in individuals with TULP1-related conditions (PMID: 9462750; Invitae), which suggests that this may be a clinically significant amino acid residue. For these reasons, this variant has been classified as Pathogenic.

Blueprint Genetics
Classification: Pathogenic for TULP1-related disorders. Last evaluated: 2020-12-09. Review status: criteria provided, single submitter. Criteria: ACMG Guidelines, 2015. Collection method: clinical testing. Allele origin: germline. Affected: yes. Observed: 2 variant alleles.

Literature cited by the submitters: PubMed 23591405 (cited by Women's Health and Genetics/Laboratory Corporation of America, LabCorp and Labcorp Genetics (formerly Invitae), Labcorp); PubMed 32531858 (cited by Women's Health and Genetics/Laboratory Corporation of America, LabCorp and Labcorp Genetics (formerly Invitae), Labcorp); PubMed 36819107 (cited by Women's Health and Genetics/Laboratory Corporation of America, LabCorp); PubMed 37240262 (cited by Women's Health and Genetics/Laboratory Corporation of America, LabCorp); PubMed 23499059 (cited by Women's Health and Genetics/Laboratory Corporation of America, LabCorp and Labcorp Genetics (formerly Invitae), Labcorp); PubMed 9462750 (cited by Labcorp Genetics (formerly Invitae), Labcorp).

NM_003322.6(TULP1):c.1258C>A (p.Arg420Ser)

Gene: TULP1 (TUB like protein 1; minus strand). Cytogenetic location: 6p21.31.
Variant type: single nucleotide variant.
Coding change: c.1258C>A on transcript NM_003322.6 (MANE Select); coding-DNA position 1258, C replaced by A.
Protein change: p.Arg420Ser; replaces arginine 420 with serine.
Molecular consequence: missense variant.
Genome position (GRCh38, 1-based): chr6:35,503,624, G>T on the plus strand (C>A on the coding strand, the complement: TULP1 is on the minus strand). VCF-style: chr6-35503624-G-T. GRCh37 (hg19) VCF-style: chr6-35471401-G-T.
Other names: c.1099C>A, p.Arg367Ser (NM_001289395.2); short protein forms R420S, R367S.
Identifiers: ClinVar variation 1366826 (VCV001366826.8), dbSNP rs551519696, ClinGen allele CA137281022.
Genomic context (GRCh38, chr6:35,503,624, plus strand): 5'-GGGGCCGGATGGGGACCCTCTCGTTCTCCGCACTCATGCCAGGAATGATGACGGTCATGC[G>T]CCGGGGGCCACGGAAGCCCAGCACGTTGGTTTCCTGGGAAGGAAACAGATGCCTGTGAGG-3'
Protein context (NP_003313.3, residues 410-430): TNVLGFRGPR[Arg420Ser]MTVIIPGMSA